The following is an entry in ClinVar:

ClinVar aggregate classification (germline): Uncertain significance (1 of 4 stars; one submission).

Submission:

Labcorp Genetics (formerly Invitae), Labcorp
Classification: Uncertain significance. Last evaluated: 2024-09-19. Review status: criteria provided, single submitter. Criteria: Invitae Variant Classification Sherloc (09022015). Collection method: clinical testing. Allele origin: germline.
Comment: This variant, c.3305_3328dup, results in the insertion of 8 amino acid(s) of the AEBP1 protein (p.Gly1102_Phe1109dup), but otherwise preserves the integrity of the reading frame. This variant is present in population databases (rs768554361, gnomAD 0.02%). This variant has not been reported in the literature in individuals affected with AEBP1-related conditions. In summary, the available evidence is currently insufficient to determine the role of this variant in disease. Therefore, it has been classified as a Variant of Uncertain Significance.

NM_001129.5(AEBP1):c.3305_3328dup (p.Phe1109_Glu1110insGlyThrLysValGluProGluPhe)

Gene: AEBP1 (AE binding protein 1; plus strand). Cytogenetic location: 7p13.
Variant type: Duplication.
Coding change: c.3305_3328dup on transcript NM_001129.5 (MANE Select); coding-DNA positions 3305 to 3328, 24 bases duplicated (GGACCAAGGTGGAGCCCGAGTTTG).
Protein change: p.Phe1109_Glu1110insGlyThrLysValGluProGluPhe.
Molecular consequence: inframe insertion.
Genome position (GRCh38, 1-based): chr7:44,114,089-44,114,112, GGACCAAGGTGGAGCCCGAGTTTG duplicated; duplicating any 24 consecutive bases within chr7:44,114,071-44,114,112 gives the same sequence; the c. name uses the placement nearest the transcript's 3' end. VCF-style (leftmost placement, unchanged base first): chr7-44114070-G-GAGGTGGAGCCCGAGTTTGGGACCA. GRCh37 (hg19) VCF-style: chr7-44153669-G-GAGGTGGAGCCCGAGTTTGGGACCA.
Identifiers: ClinVar variation 3606464 (VCV003606464.1).